The following is an entry in ClinVar:

ClinVar aggregate classification (germline): Conflicting classifications of pathogenicity. Review status: criteria provided, conflicting classifications (1 of 4 stars). 4 submissions from 4 submitters: Uncertain significance (2); Likely benign (1). 1 of the submissions does not count toward it. Last evaluated 2026-01-07.

Conditions:
RHAG-related disorder. Also called: RHAG-related condition.

Allele frequency attached by ClinVar (database versions not stated): gnomAD exomes 0.00009 and 0.00024; ExAC 0.00033; gnomAD 0.00108 and 0.00110; TOPMed 0.00120; ESP Exome Variant Server 0.00131; 1000 Genomes Project 0.00200; 1000 Genomes Project 30x 0.00203.
gnomAD v4.1: 311 of 1,614,208 alleles (0.019%); highest among the groups gnomAD compares: African/African-American, 0.36%; 1 homozygote.

Submissions (4):

Labcorp Genetics (formerly Invitae), Labcorp
Classification: Likely benign. Last evaluated: 2026-01-07. Review status: criteria provided, single submitter. Criteria: Invitae Variant Classification Sherloc (09022015). Collection method: clinical testing. Allele origin: germline.

Mayo Clinic Laboratories, Mayo Clinic
Classification: Uncertain significance. Last evaluated: 2025-02-19. Review status: criteria provided, single submitter. Criteria: ACMG Guidelines, 2015. Collection method: clinical testing. Allele origin: germline. Observed: 6 variant alleles.
Comment: PP3

Revvity Omics, Revvity
Classification: Uncertain significance. Last evaluated: 2024-08-08. Review status: criteria provided, single submitter. Criteria: ACMG Guidelines, 2015. Collection method: clinical testing. Allele origin: germline.

PreventionGenetics, part of Exact Sciences
Classification: Likely benign for RHAG-related condition. Last evaluated: 2023-08-17. Review status: no assertion criteria provided. Collection method: clinical testing. Allele origin: germline. Not counted in ClinVar's aggregate classification.
Comment: This variant is classified as likely benign based on ACMG/AMP sequence variant interpretation guidelines (Richards et al. 2015 PMID: 25741868, with internal and published modifications).

NM_000324.3(RHAG):c.199T>C (p.Phe67Leu)

Gene: RHAG (Rh associated glycoprotein; minus strand). Cytogenetic location: 6p12.3.
Variant type: single nucleotide variant.
Coding change: c.199T>C on transcript NM_000324.3 (MANE Select); coding-DNA position 199, T replaced by C.
Protein change: p.Phe67Leu; replaces phenylalanine 67 with leucine.
Molecular consequence: missense variant.
Genome position (GRCh38, 1-based): chr6:49,619,321, A>G on the plus strand (T>C on the coding strand, the complement: RHAG is on the minus strand). VCF-style: chr6-49619321-A-G. GRCh37 (hg19) VCF-style: chr6-49587034-A-G.
Other names: p.Phe67Leu; short protein forms F67L.
Identifiers: ClinVar variation 1693914 (VCV001693914.15), dbSNP rs116356543, ClinGen allele CA3847968.